The following is an entry in ClinVar:

NM_020297.4(ABCC9):c.1736A>G (p.His579Arg)

Gene: ABCC9 (ATP binding cassette subfamily C member 9; minus strand). Cytogenetic location: 12p12.1.
Variant type: single nucleotide variant.
Coding change: c.1736A>G on transcript NM_020297.4 (MANE Select); coding-DNA position 1736, A replaced by G.
Protein change: p.His579Arg; replaces histidine 579 with arginine.
Molecular consequence: missense variant.
Genome position (GRCh38, 1-based): chr12:21,894,098, T>C on the plus strand (A>G on the coding strand, the complement: ABCC9 is on the minus strand). VCF-style: chr12-21894098-T-C. GRCh37 (hg19) VCF-style: chr12-22047032-T-C.
Other names: p.His579Arg; c.1736A>G, p.His579Arg (NM_001377273.1, NM_005691.4); c.872A>G, p.His291Arg (NM_001377274.1); c.1736A>G (NM_005691.3, NM_020297.2); short protein forms H579R, H291R.
Identifiers: ClinVar variation 1523327 (VCV001523327.11), dbSNP rs1387068057, ClinGen allele CA384137184.
Genomic context (GRCh38, chr12:21,894,098, plus strand): 5'-ATGGCTTTGACTGCAAATCTGACCACCGTGGAGAGCAGGAACAGTGGTGTGACCAGGATA[T>C]GGAAGAGAGACAGTGAAGCAAAGGCCTCTGCAGGTTTCAGATTGTTTCCACTGGCATACG-3'
Protein context (NP_064693.2, residues 569-589): AEAFASLSLF[His579Arg]ILVTPLFLLS

ClinVar aggregate classification (germline): Uncertain significance. Review status: criteria provided, multiple submitters, no conflicts (2 of 4 stars). 4 submissions from 4 submitters: Uncertain significance (4). Last evaluated 2025-08-11.

Conditions:
Dilated cardiomyopathy 1O (CMD1O). Also called: CARDIOMYOPATHY, DILATED, WITH VENTRICULAR TACHYCARDIA. Identifiers: Orphanet 154, MedGen C1837839, MONDO:0012062, OMIM 608569.

Allele frequency attached by ClinVar (database versions not stated): gnomAD exomes below 0.00001.
gnomAD v4.1: 3 of 1,614,036 alleles (0.00019%); highest among the groups gnomAD compares: Non-Finnish European, 0.000085%; no homozygotes.

Submissions (4):

Labcorp Genetics (formerly Invitae), Labcorp
Classification: Uncertain significance for Dilated cardiomyopathy 1O. Last evaluated: 2025-08-11. Review status: criteria provided, single submitter. Criteria: Invitae Variant Classification Sherloc (09022015). Collection method: clinical testing. Allele origin: germline.
Comment: This sequence change replaces histidine, which is basic and polar, with arginine, which is basic and polar, at codon 579 of the ABCC9 protein (p.His579Arg). This variant is present in population databases (no rsID available, gnomAD 0.003%). This variant has not been reported in the literature in individuals affected with ABCC9-related conditions. ClinVar contains an entry for this variant (Variation ID: 1523327). Invitae Evidence Modeling of protein sequence and biophysical properties (such as structural, functional, and spatial information, amino acid conservation, physicochemical variation, residue mobility, and thermodynamic stability) indicates that this missense variant is expected to disrupt ABCC9 protein function with a positive predictive value of 95%. In summary, the available evidence is currently insufficient to determine the role of this variant in disease. Therefore, it has been classified as a Variant of Uncertain Significance.

Blueprint Genetics
Classification: Uncertain significance. Last evaluated: 2024-11-15. Review status: criteria provided, single submitter. Criteria: ACMG Guidelines, 2015. Collection method: clinical testing. Allele origin: germline.

GeneDx
Classification: Uncertain significance. Last evaluated: 2024-05-29. Review status: criteria provided, single submitter. Criteria: GeneDx Variant Classification Process June 2021. Collection method: clinical testing. Allele origin: germline. Affected: yes.
Comment: Not observed at significant frequency in large population cohorts (gnomAD); In silico analysis supports that this missense variant has a deleterious effect on protein structure/function; Has not been previously published as pathogenic or benign to our knowledge

Mayo Clinic Laboratories, Mayo Clinic
Classification: Uncertain significance. Last evaluated: 2023-05-05. Review status: criteria provided, single submitter. Criteria: ACMG Guidelines, 2015. Collection method: clinical testing. Allele origin: germline. Observed: 1 variant allele.
Comment: PP3, PM2_supporting